The following is an entry in ClinVar:

ClinVar aggregate classification (germline): Likely benign. Review status: criteria provided, single submitter (1 of 4 stars). 2 submissions from 2 submitters: Likely benign (1). 1 of the submissions does not count toward it. Last evaluated 2026-04-01.

Conditions:
BRWD1-related disorder. Also called: BRWD1-related condition.

Allele frequency attached by ClinVar (database versions not stated): 1000 Genomes Project 30x 0.00016; 1000 Genomes Project 0.00020; ExAC 0.00100; gnomAD 0.00121; TOPMed 0.00141; gnomAD exomes 0.00210; ESP Exome Variant Server 0.00215.
gnomAD v4.1: 3,209 of 1,612,276 alleles (0.2%); highest among the groups gnomAD compares: Non-Finnish European, 0.26%; 5 homozygotes.

Submissions (2):

CeGaT Center for Human Genetics Tuebingen
Classification: Likely benign. Last evaluated: 2026-04-01. Review status: criteria provided, single submitter. Criteria: CeGaT Center For Human Genetics Tuebingen Variant Classification Criteria Version 2. Collection method: clinical testing. Allele origin: germline. Affected: yes. Observed: 1 variant allele.
Comment: BRWD1: BP4, BP7

PreventionGenetics, part of Exact Sciences
Classification: Likely benign for BRWD1-related condition. Last evaluated: 2019-03-01. Review status: no assertion criteria provided. Collection method: clinical testing. Allele origin: germline. Not counted in ClinVar's aggregate classification.
Comment: This variant is classified as likely benign based on ACMG/AMP sequence variant interpretation guidelines (Richards et al. 2015 PMID: 25741868, with internal and published modifications).

NM_033656.4(BRWD1):c.3664C>T (p.Leu1222=)

Gene: BRWD1 (bromodomain and WD repeat domain containing 1; minus strand). Cytogenetic location: 21q22.2.
Variant type: single nucleotide variant.
Coding change: c.3664C>T on transcript NM_033656.4 (MANE Select); coding-DNA position 3664, C replaced by T.
Protein change: p.Leu1222=; no amino-acid change (leucine 1222 retained).
Molecular consequence: synonymous variant.
Genome position (GRCh38, 1-based): chr21:39,215,358, G>A on the plus strand (C>T on the coding strand, the complement: BRWD1 is on the minus strand). VCF-style: chr21-39215358-G-A. GRCh37 (hg19) VCF-style: chr21-40587284-G-A.
Other names: c.3664C>T, p.Leu1222= (NM_018963.5).
Identifiers: ClinVar variation 3039770 (VCV003039770.4), dbSNP rs143468624, ClinGen allele CA10026901.